The following is an entry in ClinVar:

ClinVar aggregate classification (germline): Pathogenic. Review status: criteria provided, multiple submitters, no conflicts (2 of 4 stars). 2 submissions from 2 submitters: Pathogenic (2). Last evaluated 2025-09-02.

Conditions:
DNAH1-related disorder. Also called: DNAH1-related condition.
Spermatogenic failure 18. Identifiers: MedGen C4539783, MONDO:0054615, OMIM 617576.
Ciliary dyskinesia, primary, 37 (CILD37). Also called: CILIARY DYSKINESIA, PRIMARY, 37, WITH OR WITHOUT SITUS INVERSUS. Identifiers: MedGen C4539798, MONDO:0033204, OMIM 617577.

Allele frequency attached by ClinVar (database versions not stated): gnomAD 0.00001; TOPMed 0.00001; ExAC 0.00001.
gnomAD v4.1: 8 of 1,612,942 alleles (0.0005%); highest among the groups gnomAD compares: East Asian, 0.0067%; no homozygotes.

Submissions (2):

Labcorp Genetics (formerly Invitae), Labcorp
Classification: Pathogenic for Ciliary dyskinesia, primary, 37; Spermatogenic failure 18. Last evaluated: 2025-09-02. Review status: criteria provided, single submitter. Criteria: Invitae Variant Classification Sherloc (09022015). Collection method: clinical testing. Allele origin: germline.
Comment: This sequence change creates a premature translational stop signal (p.Arg868*) in the DNAH1 gene. It is expected to result in an absent or disrupted protein product. Loss-of-function variants in DNAH1 are known to be pathogenic (PMID: 27573432, 27798045). This variant is present in population databases (rs778209826, gnomAD 0.02%). This premature translational stop signal has been observed in individual(s) with multiple morphological abnormalities of the sperm flagella (PMID: 32124190, 33929677). ClinVar contains an entry for this variant (Variation ID: 1459903). For these reasons, this variant has been classified as Pathogenic.

Greenwood Genetic Center Diagnostic Laboratories, Greenwood Genetic Center
Classification: Pathogenic for DNAH1-related disorder. Last evaluated: 2024-10-16. Review status: criteria provided, single submitter. Criteria: ACMG Guidelines, 2015. Collection method: clinical testing. Allele origin: germline. Affected: yes.
Comment: PVS1, PM2, PM3_Supporting

Literature cited by the submitters: PubMed 27573432 (cited by Labcorp Genetics (formerly Invitae), Labcorp); PubMed 27798045 (cited by Labcorp Genetics (formerly Invitae), Labcorp); PubMed 32124190 (cited by Labcorp Genetics (formerly Invitae), Labcorp); PubMed 33929677 (cited by Labcorp Genetics (formerly Invitae), Labcorp).

NM_015512.5(DNAH1):c.2602C>T (p.Arg868Ter)

Gene: DNAH1 (dynein axonemal heavy chain 1; plus strand). Cytogenetic location: 3p21.1.
Variant type: single nucleotide variant.
Coding change: c.2602C>T on transcript NM_015512.5 (MANE Select); coding-DNA position 2602, C replaced by T.
Protein change: p.Arg868Ter; replaces arginine 868 with a stop codon.
Molecular consequence: nonsense.
Genome position (GRCh38, 1-based): chr3:52,350,064, C>T. VCF-style: chr3-52350064-C-T. GRCh37 (hg19) VCF-style: chr3-52384080-C-T.
Other names: short protein forms R868*.
Identifiers: ClinVar variation 1459903 (VCV001459903.7), dbSNP rs778209826, ClinGen allele CA2433308.
Genomic context (GRCh38, chr3:52,350,064, plus strand): 5'-CGCAGCATCAGCCGCAAGATCTATGAGAAGCCCAACAGCATTGAGGAGCTGGCTGAGCTG[C>T]GAGAGTGGATGAAGGGCATCCCGGAGAGGCTGGTGGGCCTGGAGGTGAGGCAGGCACACG-3'